The following is an entry in ClinVar:

ClinVar aggregate classification (germline): Uncertain significance (1 of 4 stars; one submission).

Submission:

GeneDx
Classification: Uncertain significance. Last evaluated: 2023-03-20. Review status: criteria provided, single submitter. Criteria: GeneDx Variant Classification Process June 2021. Collection method: clinical testing. Allele origin: germline. Affected: yes.
Comment: Not observed at significant frequency in large population cohorts (gnomAD); In silico analysis supports that this missense variant has a deleterious effect on protein structure/function; Has not been previously published as pathogenic or benign to our knowledge

NM_001170629.2(CHD8):c.295C>T (p.Pro99Ser)

Gene: CHD8 (chromodomain helicase DNA binding protein 8; minus strand). Cytogenetic location: 14q11.2.
Variant type: single nucleotide variant.
Coding change: c.295C>T on transcript NM_001170629.2 (MANE Select); coding-DNA position 295, C replaced by T.
Protein change: p.Pro99Ser; replaces proline 99 with serine.
Molecular consequence: missense variant. On other transcripts: intron variant (1).
Genome position (GRCh38, 1-based): chr14:21,431,349, G>A on the plus strand (C>T on the coding strand, the complement: CHD8 is on the minus strand). VCF-style: chr14-21431349-G-A. GRCh37 (hg19) VCF-style: chr14-21899508-G-A.
Other names: c.6+462C>T (NM_020920.4); short protein forms P99S.
Identifiers: ClinVar variation 2580491 (VCV002580491.1), dbSNP rs1275308388, ClinGen allele CA388889658.
Genomic context (GRCh38, chr14:21,431,349, plus strand): 5'-GTCCTGATGTTGGCGTCGATGTCTGTAAGACAGGTTGGGCTGGCTGCTCCTGGCTGGCAG[G>A]CTGAGTGGTATAATCATGCAAGGTTATGGATTCTGGAGCTGGAGCTGTGGATTCTTTGGA-3'
Protein context (NP_001164100.1, residues 89-109): SITLHDYTTQ[Pro99Ser]ASQEQPAQPV